The following is an entry in ClinVar:

ClinVar aggregate classification (germline): Likely benign (1 of 4 stars; one submission).

Allele frequency attached by ClinVar (database versions not stated): gnomAD exomes 0.00055; 1000 Genomes Project 0.00379; 1000 Genomes Project 30x 0.00390; gnomAD 0.00431 and 0.00464; TOPMed 0.00489.
gnomAD v4.1: 1,485 of 1,612,318 alleles (0.092%); highest among the groups gnomAD compares: African/African-American, 1.5%; 11 homozygotes.

Submission:

GeneDx
Classification: Likely benign. Last evaluated: 2018-06-19. Review status: criteria provided, single submitter. Criteria: GeneDx Variant Classification (06012015). Collection method: clinical testing. Allele origin: germline. Affected: yes.
Comment: This variant is considered likely benign or benign based on one or more of the following criteria: it is a conservative change, it occurs at a poorly conserved position in the protein, it is predicted to be benign by multiple in silico algorithms, and/or has population frequency not consistent with disease.

NM_000257.4(MYH7):c.3854-76C>T

Gene: MYH7 (myosin heavy chain 7; minus strand). Cytogenetic location: 14q11.2.
Variant type: single nucleotide variant.
Coding change: c.3854-76C>T on transcript NM_000257.4 (MANE Select); 76 bases into the intron before coding-DNA position 3854, C replaced by T.
Molecular consequence: intron variant.
Genome position (GRCh38, 1-based): chr14:23,419,371, G>A on the plus strand (C>T on the coding strand, the complement: MYH7 is on the minus strand). VCF-style: chr14-23419371-G-A. GRCh37 (hg19) VCF-style: chr14-23888580-G-A.
Identifiers: ClinVar variation 675325 (VCV000675325.1), dbSNP rs186111066, ClinGen allele CA257814770.